The following is an entry in ClinVar:

ClinVar aggregate classification (germline): Likely benign. Review status: criteria provided, multiple submitters, no conflicts (2 of 4 stars). 3 submissions from 3 submitters: Likely benign (2). 1 of the submissions does not count toward it. Last evaluated 2025-10-27.

Conditions:
XYLT1-related disorder. Also called: XYLT1-related condition.
Desbuquois dysplasia 1 (DBQD1). Also called: DESBUQUOIS DYSPLASIA 1, KIM VARIANT; MICROMELIC DWARFISM WITH VERTEBRAL AND METAPHYSEAL ABNORMALITIES AND ADVANCED CARPOTARSAL OSSIFICATION. Identifiers: Orphanet 1425, MedGen C4012146, MONDO:0009629, OMIM 251450.

Allele frequency attached by ClinVar (database versions not stated): TOPMed below 0.00001; gnomAD 0.00001.
gnomAD v4.1: 9 of 1,608,272 alleles (0.00056%); highest among the groups gnomAD compares: East Asian, 0.0022%; 1 homozygote.

Submissions (3):

Labcorp Genetics (formerly Invitae), Labcorp
Classification: Likely benign for Desbuquois dysplasia 1. Last evaluated: 2025-10-27. Review status: criteria provided, single submitter. Criteria: Invitae Variant Classification Sherloc (09022015). Collection method: clinical testing. Allele origin: germline.

Blueprint Genetics
Classification: Likely benign. Last evaluated: 2023-10-26. Review status: criteria provided, single submitter. Criteria: ACMG Guidelines, 2015. Collection method: clinical testing. Allele origin: germline.

PreventionGenetics, part of Exact Sciences
Classification: Likely benign for XYLT1-related condition. Last evaluated: 2024-09-28. Review status: no assertion criteria provided. Collection method: clinical testing. Allele origin: germline. Not counted in ClinVar's aggregate classification.
Comment: This variant is classified as likely benign based on ACMG/AMP sequence variant interpretation guidelines (Richards et al. 2015 PMID: 25741868, with internal and published modifications).

NM_022166.4(XYLT1):c.2557+8C>A

Gene: XYLT1 (xylosyltransferase 1; minus strand). Cytogenetic location: 16p12.3.
Variant type: single nucleotide variant.
Coding change: c.2557+8C>A on transcript NM_022166.4 (MANE Select); 8 bases into the intron after coding-DNA position 2557, C replaced by A.
Molecular consequence: intron variant.
Genome position (GRCh38, 1-based): chr16:17,117,638, G>T on the plus strand (C>A on the coding strand, the complement: XYLT1 is on the minus strand). VCF-style: chr16-17117638-G-T. GRCh37 (hg19) VCF-style: chr16-17211495-G-T.
Other names: c.2557+8C>A (NM_022166.3).
Identifiers: ClinVar variation 2884909 (VCV002884909.5), dbSNP rs781175765, ClinGen allele CA718625719.
Genomic context (GRCh38, chr16:17,117,638, plus strand): 5'-AACACCAAAGACCCTCAAGGTCCCCAGGGAAGGAGTATTTCTCCCACATAGACACTGGGA[G>T]TACTTACCAGGTTTGATGGGCTGCCTGTTCGAGAAGGTCAGAGGCGCAACGAGGAATTTG-3'